The following is an entry in ClinVar:

ClinVar aggregate classification (germline): Conflicting classifications of pathogenicity. Review status: criteria provided, conflicting classifications (1 of 4 stars). 3 submissions from 3 submitters: Uncertain significance (1); Likely benign (1). 1 of the submissions does not count toward it. Last evaluated 2024-07-02.

Conditions:
CYB5A-related disorder. Also called: CYB5A-related condition.

Allele frequency attached by ClinVar (database versions not stated): gnomAD exomes 0.00006 and 0.00034; gnomAD 0.00009 and 0.00012; TOPMed 0.00016; 1000 Genomes Project 30x 0.00031; ExAC 0.00033; 1000 Genomes Project 0.00040.
gnomAD v4.1: 117 of 1,613,434 alleles (0.0073%); highest among the groups gnomAD compares: East Asian, 0.2%; no homozygotes.

Submissions (3):

Blueprint Genetics
Classification: Uncertain significance. Last evaluated: 2024-07-02. Review status: criteria provided, single submitter. Criteria: ACMG Guidelines, 2015. Collection method: clinical testing. Allele origin: germline.

Labcorp Genetics (formerly Invitae), Labcorp
Classification: Likely benign. Last evaluated: 2018-10-23. Review status: criteria provided, single submitter. Criteria: Invitae Variant Classification Sherloc (09022015). Collection method: clinical testing. Allele origin: germline.

PreventionGenetics, part of Exact Sciences
Classification: Likely benign for CYB5A-related condition. Last evaluated: 2022-07-08. Review status: no assertion criteria provided. Collection method: clinical testing. Allele origin: germline. Not counted in ClinVar's aggregate classification.
Comment: This variant is classified as likely benign based on ACMG/AMP sequence variant interpretation guidelines (Richards et al. 2015 PMID: 25741868, with internal and published modifications).

NM_148923.4(CYB5A):c.25G>T (p.Val9Leu)

Genes: CYB5A (cytochrome b5 type A; minus strand), LOC132090521 (Neanderthal introgressed variant-containing enhancer experimental_50301; plus strand). Cytogenetic location: 18q22.3.
Variant type: single nucleotide variant.
Coding change: c.25G>T on transcript NM_148923.4 (MANE Select); coding-DNA position 25, G replaced by T.
Protein change: p.Val9Leu; replaces valine 9 with leucine.
Molecular consequence: missense variant.
Genome position (GRCh38, 1-based): chr18:74,291,851, C>A on the plus strand (G>T on the coding strand, the complement: CYB5A is on the minus strand). VCF-style: chr18-74291851-C-A. GRCh37 (hg19) VCF-style: chr18-71959086-C-A.
Other names: c.25G>T, p.Val9Leu (NM_001190807.3, NM_001914.4); short protein forms V9L.
Identifiers: ClinVar variation 727030 (VCV000727030.6), dbSNP rs201644903, ClinGen allele CA8998532.